The following is an entry in ClinVar:

ClinVar aggregate classification (germline): Uncertain significance. Review status: criteria provided, multiple submitters, no conflicts (2 of 4 stars). 3 submissions from 3 submitters: Uncertain significance (3). Last evaluated 2026-01-24.

Conditions:
PALB2-related disorder. Also called: PALB2-related condition; PALB2-related disorders.
Familial cancer of breast. Also called: hereditary breast carcinoma; Hereditary breast cancer; BREAST CANCER, FAMILIAL. Identifiers: Orphanet 227535, MedGen C0346153, MONDO:0016419, OMIM 114480. Disease mechanism: loss of function.
Hereditary cancer-predisposing syndrome. Also called: Hereditary neoplastic syndrome; Hereditary Cancer Syndrome; Neoplastic Syndromes, Hereditary; Tumor predisposition. Identifiers: Orphanet 140162, MedGen C0027672, MeSH D009386, MONDO:0015356.

Allele frequency attached by ClinVar (database versions not stated): gnomAD exomes below 0.00001.

Submissions (3):

PreventionGenetics, part of Exact Sciences
Classification: Uncertain significance for PALB2-related condition. Last evaluated: 2026-01-24. Review status: criteria provided, single submitter. Criteria: ACMG Guidelines, 2015. Collection method: clinical testing. Allele origin: germline.
Comment: The PALB2 c.2068C>G variant is predicted to result in the amino acid substitution p.Gln690Glu. To our knowledge, this variant has not been reported in the literature or in a large population database (gnomAD), indicating this variant is rare. It is classified as uncertain in ClinVar (Variation ID: 530153). At this time, the clinical significance of this variant is uncertain due to the absence of conclusive functional and genetic evidence.

Labcorp Genetics (formerly Invitae), Labcorp
Classification: Uncertain significance for Familial cancer of breast. Last evaluated: 2025-07-16. Review status: criteria provided, single submitter. Criteria: Invitae Variant Classification Sherloc (09022015). Collection method: clinical testing. Allele origin: germline.
Comment: This sequence change replaces glutamine, which is neutral and polar, with glutamic acid, which is acidic and polar, at codon 690 of the PALB2 protein (p.Gln690Glu). This variant is not present in population databases (gnomAD no frequency). This variant has not been reported in the literature in individuals affected with PALB2-related conditions. ClinVar contains an entry for this variant (Variation ID: 530153). Invitae Evidence Modeling of protein sequence and biophysical properties (such as structural, functional, and spatial information, amino acid conservation, physicochemical variation, residue mobility, and thermodynamic stability) indicates that this missense variant is not expected to disrupt PALB2 protein function with a negative predictive value of 80%. In summary, the available evidence is currently insufficient to determine the role of this variant in disease. Therefore, it has been classified as a Variant of Uncertain Significance.

Ambry Genetics
Classification: Uncertain significance for Hereditary cancer-predisposing syndrome. Last evaluated: 2025-03-19. Review status: criteria provided, single submitter. Criteria: Ambry Variant Classification Scheme 2023. Collection method: clinical testing. Allele origin: germline.
Comment: The p.Q690E variant (also known as c.2068C>G), located in coding exon 5 of the PALB2 gene, results from a C to G substitution at nucleotide position 2068. The glutamine at codon 690 is replaced by glutamic acid, an amino acid with highly similar properties. This amino acid position is poorly conserved in available vertebrate species. In addition, this alteration is predicted to be tolerated by in silico analysis. Since supporting evidence is limited at this time, the clinical significance of this alteration remains unclear.

NM_024675.4(PALB2):c.2068C>G (p.Gln690Glu)

Gene: PALB2 (partner and localizer of BRCA2; minus strand). Cytogenetic location: 16p12.2.
Variant type: single nucleotide variant.
Coding change: c.2068C>G on transcript NM_024675.4 (MANE Select); coding-DNA position 2068, C replaced by G.
Protein change: p.Gln690Glu; replaces glutamine 690 with glutamic acid.
Molecular consequence: missense variant.
Genome position (GRCh38, 1-based): chr16:23,630,086, G>C on the plus strand (C>G on the coding strand, the complement: PALB2 is on the minus strand). VCF-style: chr16-23630086-G-C. GRCh37 (hg19) VCF-style: chr16-23641407-G-C.
Other names: short protein forms Q690E.
Identifiers: ClinVar variation 530153 (VCV000530153.13), dbSNP rs1555460505, ClinGen allele CA395126669.